The following is an entry in ClinVar:

ClinVar aggregate classification (germline): Uncertain significance. Review status: criteria provided, multiple submitters, no conflicts (2 of 4 stars). 2 submissions from 2 submitters: Uncertain significance (2). Last evaluated 2025-07-08.

Conditions:
Hereditary cancer-predisposing syndrome. Also called: Tumor predisposition; Hereditary neoplastic syndrome; Neoplastic Syndromes, Hereditary; Hereditary Cancer Syndrome. Identifiers: Orphanet 140162, MedGen C0027672, MeSH D009386, MONDO:0015356.
Rhabdoid tumor predisposition syndrome 2 (RTPS2). Identifiers: Orphanet 231108, Orphanet 69077, MedGen C2750074, MONDO:0013224, OMIM 613325.

Allele frequency attached by ClinVar (database versions not stated): gnomAD exomes below 0.00001.
gnomAD v4.1: 1 of 1,613,754 alleles (0.000062%); highest among the groups gnomAD compares: Admixed American, 0.0017%; no homozygotes.

Submissions (2):

Ambry Genetics
Classification: Uncertain significance for Hereditary cancer-predisposing syndrome. Last evaluated: 2025-07-08. Review status: criteria provided, single submitter. Criteria: Ambry Variant Classification Scheme 2023. Collection method: clinical testing. Allele origin: germline.
Comment: The p.T3I variant (also known as c.8C>T), located in coding exon 1 of the SMARCA4 gene, results from a C to T substitution at nucleotide position 8. The threonine at codon 3 is replaced by isoleucine, an amino acid with similar properties. This amino acid position is well conserved in available vertebrate species. In addition, the in silico prediction for this alteration is inconclusive. Missense and in-frame variants in SMARCA4 are known to cause neurodevelopmental disorders; however, such associations with rhabdoid tumor predisposition syndrome including small cell carcinoma of the ovary-hypercalcemic type (SCCOHT) are exceedingly rare (Kosho T et al. Am J Med Genet C Semin Med Genet. 2014 Sep;166C(3):262-75; Jelinic P et al. Nat Genet. 2014 May;46(5):424-6). Based on the supporting evidence, the association of this alteration with Coffin-Siris syndrome is unknown; however, the association of this alteration with rhabdoid tumor predisposition syndrome is unlikely.

Labcorp Genetics (formerly Invitae), Labcorp
Classification: Uncertain significance for Rhabdoid tumor predisposition syndrome 2. Last evaluated: 2024-05-20. Review status: criteria provided, single submitter. Criteria: Invitae Variant Classification Sherloc (09022015). Collection method: clinical testing. Allele origin: germline.
Comment: This sequence change replaces threonine, which is neutral and polar, with isoleucine, which is neutral and non-polar, at codon 3 of the SMARCA4 protein (p.Thr3Ile). This variant is present in population databases (no rsID available, gnomAD 0.003%). This variant has not been reported in the literature in individuals affected with SMARCA4-related conditions. ClinVar contains an entry for this variant (Variation ID: 1500930). Advanced modeling of protein sequence and biophysical properties (such as structural, functional, and spatial information, amino acid conservation, physicochemical variation, residue mobility, and thermodynamic stability) has been performed at Invitae for this missense variant, however the output from this modeling did not meet the statistical confidence thresholds required to predict the impact of this variant on SMARCA4 protein function. In summary, the available evidence is currently insufficient to determine the role of this variant in disease. Therefore, it has been classified as a Variant of Uncertain Significance.

NM_003072.5(SMARCA4):c.8C>T (p.Thr3Ile)

Gene: SMARCA4 (SWI/SNF related BAF chromatin remodeling complex subunit ATPase 4; plus strand). Cytogenetic location: 19p13.2.
Variant type: single nucleotide variant.
Coding change: c.8C>T on transcript NM_003072.5 (MANE Select); coding-DNA position 8, C replaced by T.
Protein change: p.Thr3Ile; replaces threonine 3 with isoleucine.
Molecular consequence: missense variant. On other transcripts: non-coding transcript variant (1).
Genome position (GRCh38, 1-based): chr19:10,984,159, C>T. VCF-style: chr19-10984159-C-T. GRCh37 (hg19) VCF-style: chr19-11094835-C-T.
Other names: c.8C>T, p.Thr3Ile (NM_001128849.3, NM_001374457.1, NM_001387283.1 and 5 more transcripts); short protein forms T3I.
Identifiers: ClinVar variation 1500930 (VCV001500930.10), dbSNP rs1339941779, ClinGen allele CA404053852.
Genomic context (GRCh38, chr19:10,984,159, plus strand): 5'-ACTGACCAGGACTGTCTTCCAGCAGGAGGCCACTGTCTGCAGCTCCCGTGAAGATGTCCA[C>T]TCCAGACCCACCCCTGGGCGGAACTCCTCGGCCAGGTCCTTCCCCGGGCCCTGGCCCTTC-3'
Protein context (NP_003063.2, residues 1-13): MS[Thr3Ile]PDPPLGGTPR